The following is an entry in ClinVar:

NM_001242896.3(DEPDC5):c.4330A>G (p.Asn1444Asp)

Gene: DEPDC5 (DEP domain containing 5, GATOR1 subcomplex subunit; plus strand). Cytogenetic location: 22q12.3.
Variant type: single nucleotide variant.
Coding change: c.4330A>G on transcript NM_001242896.3 (MANE Select); coding-DNA position 4330, A replaced by G.
Protein change: p.Asn1444Asp; replaces asparagine 1444 with aspartic acid.
Molecular consequence: missense variant. On other transcripts: non-coding transcript variant (5).
Genome position (GRCh38, 1-based): chr22:31,897,608, A>G. VCF-style: chr22-31897608-A-G. GRCh37 (hg19) VCF-style: chr22-32293594-A-G.
Other names: c.4330A>G (NM_001242896.1); c.4303A>G, p.Asn1435Asp (NM_001136029.4); c.4030A>G, p.Asn1344Asp (NM_001242897.2); c.4264A>G, p.Asn1422Asp (NM_001363852.2, NM_001364320.2); c.4096A>G, p.Asn1366Asp (NM_001363854.2, NM_001364319.2); c.4330A>G, p.Asn1444Asp (NM_001364318.2); c.4246A>G, p.Asn1416Asp (NM_001369901.1, NM_001369902.1); c.4237A>G, p.Asn1413Asp (NM_001369903.1, NM_014662.6); short protein forms N1344D, N1366D, N1413D, N1416D, N1422D, N1435D, N1444D.
Identifiers: ClinVar variation 2440738 (VCV002440738.4), dbSNP rs1362815688, ClinGen allele CA411288793.

ClinVar aggregate classification (germline): Uncertain significance. Review status: criteria provided, multiple submitters, no conflicts (2 of 4 stars). 2 submissions from 2 submitters: Uncertain significance (2). Last evaluated 2023-04-19.

Allele frequency attached by ClinVar (database versions not stated): gnomAD exomes 0.00001.
gnomAD v4.1: 5 of 1,614,012 alleles (0.00031%); highest among the groups gnomAD compares: Middle Eastern, 0.033%; no homozygotes.

Submissions (2):

GeneDx
Classification: Uncertain significance. Last evaluated: 2023-04-19. Review status: criteria provided, single submitter. Criteria: GeneDx Variant Classification Process June 2021. Collection method: clinical testing. Allele origin: germline. Affected: yes.
Comment: Not observed at significant frequency in large population cohorts (gnomAD); In silico analysis supports that this missense variant does not alter protein structure/function; Has not been previously published as pathogenic or benign to our knowledge

Revvity Omics, Revvity
Classification: Uncertain significance. Last evaluated: 2022-02-22. Review status: criteria provided, single submitter. Criteria: ACMG Guidelines, 2015. Collection method: clinical testing. Allele origin: germline.